The following is an entry in ClinVar:

ClinVar aggregate classification (germline): Benign/Likely benign. Review status: criteria provided, multiple submitters, no conflicts (2 of 4 stars). 3 submissions from 3 submitters: Benign (1); Likely benign (2). Last evaluated 2026-07-08.

Conditions:
Hereditary cancer-predisposing syndrome. Also called: Tumor predisposition; Neoplastic Syndromes, Hereditary; Hereditary Cancer Syndrome; Hereditary neoplastic syndrome. Identifiers: Orphanet 140162, MedGen C0027672, MeSH D009386, MONDO:0015356.
Rhabdoid tumor predisposition syndrome 2 (RTPS2). Identifiers: Orphanet 231108, Orphanet 69077, MedGen C2750074, MONDO:0013224, OMIM 613325.

Allele frequency attached by ClinVar (database versions not stated): gnomAD exomes below 0.00001; gnomAD 0.00001; TOPMed 0.00001.
gnomAD v4.1: 2 of 1,612,482 alleles (0.00012%); highest among the groups gnomAD compares: Admixed American, 0.0033%; no homozygotes.

Submissions (3):

Myriad Genetics, Inc.
Classification: Benign for Rhabdoid tumor predisposition syndrome 2. Last evaluated: 2026-07-08. Review status: criteria provided, single submitter. Criteria: Myriad Autosomal Dominant, Autosomal Recessive and X-Linked Classification Criteria (2023). Collection method: clinical testing. Allele origin: unknown.
Comment: This variant is considered benign. This variant is a silent/synonymous amino acid change and it is not expected to impact splicing.

Labcorp Genetics (formerly Invitae), Labcorp
Classification: Likely benign for Rhabdoid tumor predisposition syndrome 2. Last evaluated: 2025-05-25. Review status: criteria provided, single submitter. Criteria: Invitae Variant Classification Sherloc (09022015). Collection method: clinical testing. Allele origin: germline.

Ambry Genetics
Classification: Likely benign for Hereditary cancer-predisposing syndrome. Last evaluated: 2016-12-21. Review status: criteria provided, single submitter. Criteria: Ambry Variant Classification Scheme 2023. Collection method: clinical testing. Allele origin: germline.

NM_003072.5(SMARCA4):c.51C>T (p.Ser17=)

Gene: SMARCA4 (SWI/SNF related BAF chromatin remodeling complex subunit ATPase 4; plus strand). Cytogenetic location: 19p13.2.
Variant type: single nucleotide variant.
Coding change: c.51C>T on transcript NM_003072.5 (MANE Select); coding-DNA position 51, C replaced by T.
Protein change: p.Ser17=; no amino-acid change (serine 17 retained).
Molecular consequence: synonymous variant. On other transcripts: non-coding transcript variant (1).
Genome position (GRCh38, 1-based): chr19:10,984,202, C>T. VCF-style: chr19-10984202-C-T. GRCh37 (hg19) VCF-style: chr19-11094878-C-T.
Other names: c.51C>T, p.Ser17= (NM_001128844.3, NM_001128845.2, NM_001128846.2 and 5 more transcripts).
Identifiers: ClinVar variation 470436 (VCV000470436.16), dbSNP rs1438233071, ClinGen allele CA505487113.